The following is an entry in ClinVar:

NM_001040716.2(PC):c.1714dup (p.Asp572fs)

Gene: PC (pyruvate carboxylase; minus strand). Cytogenetic location: 11q13.2.
Variant type: Duplication.
Coding change: c.1714dup on transcript NM_001040716.2 (MANE Select); coding-DNA position 1714, one base duplicated (G; older notation c.1714dupG).
Protein change: p.Asp572fs; shifts the reading frame from aspartic acid 572.
Molecular consequence: frameshift variant.
Genome position (GRCh38, 1-based): chr11:66,852,550, C duplicated on the plus strand (G on the coding strand, the reverse complement: PC is on the minus strand); the first of 3 consecutive C bases (chr11:66,852,550-66,852,552); duplicating any one gives the same sequence. VCF-style (leftmost placement, unchanged base first): chr11-66852549-T-TC. GRCh37 (hg19) VCF-style: chr11-66620020-T-TC.
Other names: c.1714dup, p.Asp572fs (NM_000920.4, NM_001439352.1, NM_001439353.1 and 5 more transcripts); short protein forms D572fs.
Identifiers: ClinVar variation 5012316 (VCV005012316.1).

ClinVar aggregate classification (germline): Pathogenic (1 of 4 stars; one submission).

Conditions:
Pyruvate carboxylase deficiency. Also called: ATAXIA WITH LACTIC ACIDOSIS II; LEIGH NECROTIZING ENCEPHALOPATHY DUE TO PYRUVATE CARBOXYLASE DEFICIENCY; LEIGH SYNDROME DUE TO PYRUVATE CARBOXYLASE DEFICIENCY; PC DEFICIENCY; Pyruvate Carboxylase Deficiency Disease. Identifiers: Orphanet 3008, MedGen C0034341, MONDO:0009949, OMIM 266150.

Submission:

Myriad Genetics, Inc.
Classification: Pathogenic for Pyruvate carboxylase deficiency. Last evaluated: 2023-09-27. Review status: criteria provided, single submitter. Criteria: Myriad Autosomal Dominant, Autosomal Recessive and X-Linked Classification Criteria (2023). Collection method: clinical testing. Allele origin: unknown.
Comment: NM_000920.3(PC):c.1714dupG(D572Gfs*42) is expected to be pathogenic in the context of pyruvate carboxylase deficiency. This variant is predicted to lead to an abnormal or absent protein product due to the creation of a premature termination codon in PC, a gene where loss-of-function variants are known to be pathogenic. Please note: this variant was assessed in the context of healthy population screening.